The following is an entry in ClinVar:

NM_000484.4(APP):c.1991A>C (p.Glu664Ala)

Gene: APP (amyloid beta precursor protein; minus strand). Cytogenetic location: 21q21.3.
Variant type: single nucleotide variant.
Coding change: c.1991A>C on transcript NM_000484.4 (MANE Select); coding-DNA position 1991, A replaced by C.
Protein change: p.Glu664Ala; replaces glutamic acid 664 with alanine.
Molecular consequence: missense variant.
Genome position (GRCh38, 1-based): chr21:25,897,646, T>G on the plus strand (A>C on the coding strand, the complement: APP is on the minus strand). VCF-style: chr21-25897646-T-G. GRCh37 (hg19) VCF-style: chr21-27269958-T-G.
Other names: c.1919A>C, p.Glu640Ala (NM_001136016.3); c.1598A>C, p.Glu533Ala (NM_001136129.3); c.1823A>C, p.Glu608Ala (NM_001136130.3, NM_001385253.1); c.1661A>C, p.Glu554Ala (NM_001136131.3); c.1937A>C, p.Glu646Ala (NM_001204301.2); c.1880A>C, p.Glu627Ala (NM_001204302.2); c.1712A>C, p.Glu571Ala (NM_001204303.2); c.1934A>C, p.Glu645Ala (NM_201413.3); and 1 more; short protein forms E533A, E554A, E571A, E589A, E608A, E627A, E640A, E645A.
Identifiers: ClinVar variation 4803210 (VCV004803210.1).

ClinVar aggregate classification (germline): Uncertain significance (1 of 4 stars; one submission).

Conditions:
Alzheimer disease. Also called: Presenile and senile dementia; Alzheimer's disease. Identifiers: Orphanet 1020, MedGen C0002395, MeSH D000544, MONDO:0004975, HP:0002511.

Submission:

Labcorp Genetics (formerly Invitae), Labcorp
Classification: Uncertain significance for Alzheimer disease. Last evaluated: 2025-10-09. Review status: criteria provided, single submitter. Criteria: Invitae Variant Classification Sherloc (09022015). Collection method: clinical testing. Allele origin: germline.
Comment: This sequence change replaces glutamic acid, which is acidic and polar, with alanine, which is neutral and non-polar, at codon 664 of the APP protein (p.Glu664Ala). This variant is not present in population databases (gnomAD no frequency). This variant has not been reported in the literature in individuals affected with APP-related conditions. Invitae Evidence Modeling of protein sequence and biophysical properties (such as structural, functional, and spatial information, amino acid conservation, physicochemical variation, residue mobility, and thermodynamic stability) indicates that this missense variant is not expected to disrupt APP protein function with a negative predictive value of 95%. In summary, the available evidence is currently insufficient to determine the role of this variant in disease. Therefore, it has been classified as a Variant of Uncertain Significance.